The following is an entry in ClinVar:

NM_000051.4(ATM):c.7297C>T (p.Gln2433Ter)

Genes: ATM (ATM serine/threonine kinase; plus strand), C11orf65 (chromosome 11 open reading frame 65; minus strand). Cytogenetic location: 11q22.3.
Variant type: single nucleotide variant.
Coding change: c.7297C>T on transcript NM_000051.4 (MANE Select); coding-DNA position 7297, C replaced by T.
Protein change: p.Gln2433Ter; replaces glutamine 2433 with a stop codon.
Molecular consequence: nonsense. On other transcripts: intron variant (2).
Genome position (GRCh38, 1-based): chr11:108,329,228, C>T. VCF-style: chr11-108329228-C-T. GRCh37 (hg19) VCF-style: chr11-108199955-C-T.
Other names: c.7297C>T, p.Gln2433Ter (NM_001351834.2); c.641-20157G>A (NM_001330368.2); c.*38+5992G>A (NM_001351110.2); short protein forms Q2433*.
Identifiers: ClinVar variation 2749329 (VCV002749329.3), dbSNP rs2136423678, ClinGen allele CA382559823.

ClinVar aggregate classification (germline): Pathogenic (1 of 4 stars; one submission).

Conditions:
Ataxia-telangiectasia syndrome (AT). Also called: LOUIS-BAR SYNDROME; Cerebello-oculocutaneous telangiectasia; Immunodeficiency with ataxia telangiectasia; Ataxia telangiectasia (A-T); Ataxia-telangiectasia, complementation group D; AT, COMPLEMENTATION GROUP C. Identifiers: Orphanet 100, MedGen C0004135, MONDO:0008840, OMIM 208900.

Submission:

Labcorp Genetics (formerly Invitae), Labcorp
Classification: Pathogenic for Ataxia-telangiectasia syndrome. Last evaluated: 2023-08-02. Review status: criteria provided, single submitter. Criteria: Invitae Variant Classification Sherloc (09022015). Collection method: clinical testing. Allele origin: germline.
Comment: This variant is not present in population databases (gnomAD no frequency). This variant has not been reported in the literature in individuals affected with ATM-related conditions. Algorithms developed to predict the effect of sequence changes on RNA splicing suggest that this variant may disrupt the consensus splice site. For these reasons, this variant has been classified as Pathogenic. This sequence change creates a premature translational stop signal (p.Gln2433*) in the ATM gene. It is expected to result in an absent or disrupted protein product. Loss-of-function variants in ATM are known to be pathogenic (PMID: 23807571, 25614872).

Literature cited by the submitters: PubMed 23807571; PubMed 25614872.